The following is an entry in ClinVar:

NM_000081.4(LYST):c.71T>C (p.Val24Ala)

Gene: LYST (lysosomal trafficking regulator; minus strand). Cytogenetic location: 1q42.3.
Variant type: single nucleotide variant.
Coding change: c.71T>C on transcript NM_000081.4 (MANE Select); coding-DNA position 71, T replaced by C.
Protein change: p.Val24Ala; replaces valine 24 with alanine.
Molecular consequence: missense variant. On other transcripts: non-coding transcript variant (1).
Genome position (GRCh38, 1-based): chr1:235,830,347, A>G on the plus strand (T>C on the coding strand, the complement: LYST is on the minus strand). VCF-style: chr1-235830347-A-G. GRCh37 (hg19) VCF-style: chr1-235993647-A-G.
Other names: p.Val24Ala; c.71T>C, p.Val24Ala (NM_001301365.1); c.71T>C (NM_000081.2); short protein forms V24A.
Identifiers: ClinVar variation 580839 (VCV000580839.10), dbSNP rs151236654, ClinGen allele CA1467738.

ClinVar aggregate classification (germline): Uncertain significance. Review status: criteria provided, multiple submitters, no conflicts (2 of 4 stars). 4 submissions from 4 submitters: Uncertain significance (4). Last evaluated 2026-07-29.

Conditions:
Chédiak-Higashi syndrome (CHS). Also called: Chediak-Higashi Syndrome. Identifiers: Orphanet 167, MedGen C0007965, MONDO:0008963, OMIM 214500.
Inborn genetic diseases. Identifiers: MedGen C0950123, MeSH D030342.

Allele frequency attached by ClinVar (database versions not stated): ExAC 0.00002; TOPMed 0.00007; ESP Exome Variant Server 0.00008; gnomAD 0.00008.
gnomAD v4.1: 90 of 1,613,740 alleles (0.0056%); highest among the groups gnomAD compares: Non-Finnish European, 0.0064%; no homozygotes.

Submissions (4):

Ambry Genetics
Classification: Uncertain significance for Inborn genetic diseases. Last evaluated: 2026-07-29. Review status: criteria provided, single submitter. Criteria: Ambry Variant Classification Scheme 2023. Collection method: clinical testing. Allele origin: germline.
Comment: The c.71T>C (p.V24A) alteration is located in exon 3 (coding exon 1) of the LYST gene. This alteration results from a T to C substitution at nucleotide position 71, causing the valine (V) at amino acid position 24 to be replaced by an alanine (A). Based on data from gnomAD, the C allele has an overall frequency of 0.003% (7/282052) total alleles studied. The highest observed frequency was 0.005% (7/128660) of European (non-Finnish) alleles. Based on insufficient or conflicting evidence, the clinical significance of this alteration remains unclear.

Labcorp Genetics (formerly Invitae), Labcorp
Classification: Uncertain significance for Chédiak-Higashi syndrome. Last evaluated: 2024-10-08. Review status: criteria provided, single submitter. Criteria: Invitae Variant Classification Sherloc (09022015). Collection method: clinical testing. Allele origin: germline.
Comment: This sequence change replaces valine, which is neutral and non-polar, with alanine, which is neutral and non-polar, at codon 24 of the LYST protein (p.Val24Ala). This variant is present in population databases (rs151236654, gnomAD 0.005%). This variant has not been reported in the literature in individuals affected with LYST-related conditions. ClinVar contains an entry for this variant (Variation ID: 580839). Invitae Evidence Modeling of protein sequence and biophysical properties (such as structural, functional, and spatial information, amino acid conservation, physicochemical variation, residue mobility, and thermodynamic stability) indicates that this missense variant is not expected to disrupt LYST protein function with a negative predictive value of 80%. In summary, the available evidence is currently insufficient to determine the role of this variant in disease. Therefore, it has been classified as a Variant of Uncertain Significance.

Mayo Clinic Laboratories, Mayo Clinic
Classification: Uncertain significance. Last evaluated: 2024-02-27. Review status: criteria provided, single submitter. Criteria: ACMG Guidelines, 2015. Collection method: clinical testing. Allele origin: germline. Observed: 1 variant allele.
Comment: BP4

Blueprint Genetics
Classification: Uncertain significance. Last evaluated: 2024-02-02. Review status: criteria provided, single submitter. Criteria: ACMG Guidelines, 2015. Collection method: clinical testing. Allele origin: germline.

Literature cited by the submitters: PubMed 35145004 (cited by Mayo Clinic Laboratories, Mayo Clinic).